The following is an entry in ClinVar:

ClinVar aggregate classification (germline): Pathogenic (1 of 4 stars; one submission).

Conditions:
Familial adenomatous polyposis 1 (FAP1). Also called: POLYPOSIS, ADENOMATOUS INTESTINAL; FAMILIAL ADENOMATOUS POLYPOSIS 1, ATTENUATED. Identifiers: MedGen C2713442, MONDO:0021056, OMIM 175100. Disease mechanism: loss of function.

Submission:

Labcorp Genetics (formerly Invitae), Labcorp
Classification: Pathogenic for Familial adenomatous polyposis 1. Last evaluated: 2021-11-06. Review status: criteria provided, single submitter. Criteria: Invitae Variant Classification Sherloc (09022015). Collection method: clinical testing. Allele origin: germline.
Comment: For these reasons, this variant has been classified as Pathogenic. A different truncation (p.Tyr2645Lysfs*14) that lies downstream of this variant has been determined to be pathogenic (PMID: 9824584, 1316610, 27081525, 8381579, 22135120, Invitae). This suggests that deletion of this region of the APC protein is causative of disease. This variant is expected to disrupt the EB1 and HDLG binding sites, which mediate interactions with the cytoskeleton (PMID: 15311282, 17293347). While functional studies have not been performed to directly test the effect on APC protein function, this suggests that disruption of the C-terminal portion of the protein is functionally important. This variant has not been reported in the literature in individuals affected with APC-related conditions. This variant is not present in population databases (gnomAD no frequency). This sequence change creates a premature translational stop signal (p.His1009*) in the APC gene. While this is not anticipated to result in nonsense mediated decay, it is expected to disrupt the last 1835 amino acid(s) of the APC protein.

Literature cited by the submitters: PubMed 9824584; PubMed 1316610; PubMed 27081525; PubMed 8381579; PubMed 22135120; PubMed 15311282; PubMed 17293347.

NM_000038.6(APC):c.3025_3026del (p.Ile1008_His1009insTer)

Gene: APC (APC regulator of Wnt signaling pathway; plus strand). Cytogenetic location: 5q22.2.
Variant type: Deletion.
Coding change: c.3025_3026del on transcript NM_000038.6 (MANE Select); coding-DNA positions 3025 to 3026, 2 bases deleted (CA; older notation c.3025_3026delCA).
Protein change: p.Ile1008_His1009insTer.
Molecular consequence: nonsense.
Genome position (GRCh38, 1-based): chr5:112,838,619-112,838,620, CA deleted; deleting any 2 consecutive bases within chr5:112,838,618-112,838,620 gives the same sequence; the c. name uses the placement nearest the transcript's 3' end. VCF-style (leftmost placement, unchanged base first): chr5-112838617-TAC-T. GRCh37 (hg19) VCF-style: chr5-112174314-TAC-T.
Other names: c.3025_3026del, p.Ile1008_His1009insTer (NM_001127510.3, NM_001354895.2); c.2971_2972del, p.Ile990_His991insTer (NM_001127511.3); c.3079_3080del, p.Ile1026_His1027insTer (NM_001354896.2); c.3055_3056del, p.Ile1018_His1019insTer (NM_001354897.2); c.2950_2951del, p.Ile983_His984insTer (NM_001354898.2); c.2941_2942del, p.Ile980_His981insTer (NM_001354899.2); c.2902_2903del, p.Ile967_His968insTer (NM_001354900.2); c.2848_2849del, p.Ile949_His950insTer (NM_001354901.2); and 5 more.
Identifiers: ClinVar variation 1381811 (VCV001381811.6), dbSNP rs2149882559, ClinGen allele CA2573138929.